The following is an entry in ClinVar:

NM_022436.3(ABCG5):c.983C>T (p.Ala328Val)

Genes: ABCG5 (ATP binding cassette subfamily G member 5; minus strand), DYNC2LI1 (dynein cytoplasmic 2 light intermediate chain 1; plus strand). Cytogenetic location: 2p21.
Variant type: single nucleotide variant.
Coding change: c.983C>T on transcript NM_022436.3 (MANE Select); coding-DNA position 983, C replaced by T.
Protein change: p.Ala328Val; replaces alanine 328 with valine.
Molecular consequence: missense variant. On other transcripts: intron variant (2).
Genome position (GRCh38, 1-based): chr2:43,824,354, G>A on the plus strand (C>T on the coding strand, the complement: ABCG5 is on the minus strand). VCF-style: chr2-43824354-G-A. GRCh37 (hg19) VCF-style: chr2-44051493-G-A.
Other names: c.*16-3032G>A (NM_001348913.2, NM_001348912.2); short protein forms A328V.
Identifiers: ClinVar variation 3886430 (VCV003886430.1).

ClinVar aggregate classification (germline): Uncertain significance (1 of 4 stars; one submission).

Conditions:
Cardiovascular phenotype. Identifiers: MedGen CN230736.

Submission:

Ambry Genetics
Classification: Uncertain significance for Cardiovascular phenotype. Last evaluated: 2024-12-13. Review status: criteria provided, single submitter. Criteria: Ambry Variant Classification Scheme 2023. Collection method: clinical testing. Allele origin: germline.
Comment: The p.A328V variant (also known as c.983C>T), located in coding exon 8 of the ABCG5 gene, results from a C to T substitution at nucleotide position 983. The alanine at codon 328 is replaced by valine, an amino acid with similar properties. This amino acid position is conserved. In addition, the in silico prediction for this alteration is inconclusive. Based on the available evidence, the clinical significance of this variant remains unclear.